The following is an entry in ClinVar:

ClinVar aggregate classification (germline): Uncertain significance (1 of 4 stars; one submission).

Conditions:
Developmental and epileptic encephalopathy, 53. Also called: Epileptic encephalopathy, early infantile, 53. Identifiers: MedGen C4479313, MONDO:0033362, OMIM 617389.
Early-onset Parkinson disease 20. Also called: PARKINSON DISEASE 20, AUTOSOMAL RECESSIVE EARLY-ONSET. Identifiers: Orphanet 391411, MedGen C3809824, MONDO:0014233, OMIM 615530.

Allele frequency attached by ClinVar (database versions not stated): gnomAD 0.00001; TOPMed 0.00001.
gnomAD v4.1: 1 of 1,613,558 alleles (0.000062%); highest among the groups gnomAD compares: Admixed American, 0.0017%; no homozygotes.

Submission:

Labcorp Genetics (formerly Invitae), Labcorp
Classification: Uncertain significance for Developmental and epileptic encephalopathy, 53; Early-onset Parkinson disease 20. Last evaluated: 2022-07-22. Review status: criteria provided, single submitter. Criteria: Invitae Variant Classification Sherloc (09022015). Collection method: clinical testing. Allele origin: germline.
Comment: This sequence change replaces glutamic acid, which is acidic and polar, with aspartic acid, which is acidic and polar, at codon 1198 of the SYNJ1 protein (p.Glu1198Asp). This variant is not present in population databases (gnomAD no frequency). This variant has not been reported in the literature in individuals affected with SYNJ1-related conditions. Algorithms developed to predict the effect of missense changes on protein structure and function are either unavailable or do not agree on the potential impact of this missense change (SIFT: "Tolerated"; PolyPhen-2: "Possibly Damaging"; Align-GVGD: "Class C0"). Algorithms developed to predict the effect of sequence changes on RNA splicing suggest that this variant may disrupt the consensus splice site. In summary, the available evidence is currently insufficient to determine the role of this variant in disease. Therefore, it has been classified as a Variant of Uncertain Significance.

NM_203446.3(SYNJ1):c.3477A>C (p.Glu1159Asp)

Gene: SYNJ1 (synaptojanin 1; minus strand). Cytogenetic location: 21q22.11.
Variant type: single nucleotide variant.
Coding change: c.3477A>C on transcript NM_203446.3 (MANE Select); coding-DNA position 3477, A replaced by C.
Protein change: p.Glu1159Asp; replaces glutamic acid 1159 with aspartic acid.
Molecular consequence: missense variant. On other transcripts: intron variant (2).
Genome position (GRCh38, 1-based): chr21:32,643,411, T>G on the plus strand (A>C on the coding strand, the complement: SYNJ1 is on the minus strand). VCF-style: chr21-32643411-T-G. GRCh37 (hg19) VCF-style: chr21-34015721-T-G.
Other names: c.3594A>C, p.Glu1198Asp (NM_003895.4); c.3431-1278A>C (NM_001160302.2); c.3377-1445A>C (NM_001160306.2); short protein forms E1198D, E1159D.
Identifiers: ClinVar variation 2162150 (VCV002162150.1), dbSNP rs2039931747, ClinGen allele CA410066683.